The following is an entry in ClinVar:

NM_001010874.5(TECRL):c.965-38A>C

Gene: TECRL (trans-2,3-enoyl-CoA reductase like; minus strand). Cytogenetic location: 4q13.1.
Variant type: single nucleotide variant.
Coding change: c.965-38A>C on transcript NM_001010874.5 (MANE Select); 38 bases into the intron before coding-DNA position 965, A replaced by C.
Molecular consequence: intron variant.
Genome position (GRCh38, 1-based): chr4:64,280,237, T>G on the plus strand (A>C on the coding strand, the complement: TECRL is on the minus strand). VCF-style: chr4-64280237-T-G. GRCh37 (hg19) VCF-style: chr4-65145955-T-G.
Other names: c.964+804A>C (NM_001363796.1); c.965-38A>C (NM_001010874.4).
Identifiers: ClinVar variation 1225599 (VCV001225599.5), dbSNP rs1483711, ClinGen allele CA2935275.

ClinVar aggregate classification (germline): Benign. Review status: criteria provided, multiple submitters, no conflicts (2 of 4 stars). 3 submissions from 3 submitters: Benign (3). Last evaluated 2026-09-21.

Allele frequency attached by ClinVar (database versions not stated): ESP Exome Variant Server 0.96781; gnomAD 0.96796 and 0.96601; 1000 Genomes Project 0.97025; gnomAD exomes 0.97824; TOPMed 0.96599; 1000 Genomes Project 30x 0.97049; ExAC 0.97834.

Submissions (3):

Molecular Diagnostic Laboratory for Inherited Cardiovascular Disease, Montreal Heart Institute
Classification: Benign. Last evaluated: 2026-09-21. Review status: criteria provided, single submitter. Criteria: ACMG Guidelines, 2015. Collection method: clinical testing. Allele origin: germline. Affected: no.
Comment: BA1

GeneDx
Classification: Benign. Last evaluated: 2018-09-04. Review status: criteria provided, single submitter. Criteria: GeneDx Variant Classification Process June 2021. Collection method: clinical testing. Allele origin: germline. Affected: yes.

Breakthrough Genomics
Classification: Benign. Review status: criteria provided, single submitter. Criteria: ACMG Guidelines, 2015. Collection method: not provided. Allele origin: germline. Inheritance: Autosomal recessive inheritance. Affected: yes.